The following is an entry in ClinVar:

NM_002519.3(NPAT):c.1454T>C (p.Ile485Thr)

Gene: NPAT (nuclear protein, coactivator of histone transcription; minus strand). Cytogenetic location: 11q22.3.
Variant type: single nucleotide variant.
Coding change: c.1454T>C on transcript NM_002519.3 (MANE Select); coding-DNA position 1454, T replaced by C.
Protein change: p.Ile485Thr; replaces isoleucine 485 with threonine.
Molecular consequence: missense variant.
Genome position (GRCh38, 1-based): chr11:108,173,530, A>G on the plus strand (T>C on the coding strand, the complement: NPAT is on the minus strand). VCF-style: chr11-108173530-A-G. GRCh37 (hg19) VCF-style: chr11-108044257-A-G.
Other names: c.1454T>C, p.Ile485Thr (NM_001321307.1); short protein forms I485T.
Identifiers: ClinVar variation 2895202 (VCV002895202.4), dbSNP rs766201570, ClinGen allele CA6263993.

ClinVar aggregate classification (germline): Uncertain significance. Review status: criteria provided, multiple submitters, no conflicts (2 of 4 stars). 2 submissions from 2 submitters: Uncertain significance (2). Last evaluated 2026-07-01.

Allele frequency attached by ClinVar (database versions not stated): TOPMed below 0.00001; gnomAD 0.00001; gnomAD exomes 0.00001; ExAC 0.00002.
gnomAD v4.1: 4 of 1,614,062 alleles (0.00025%); highest among the groups gnomAD compares: Non-Finnish European, 0.00034%; no homozygotes.

Submissions (2):

CeGaT Center for Human Genetics Tuebingen
Classification: Uncertain significance. Last evaluated: 2026-07-01. Review status: criteria provided, single submitter. Criteria: CeGaT Center For Human Genetics Tuebingen Variant Classification Criteria Version 2. Collection method: clinical testing. Allele origin: germline. Affected: yes. Observed: 1 variant allele.
Comment: NPAT: PM2:Supporting, BP4

Labcorp Genetics (formerly Invitae), Labcorp
Classification: Uncertain significance. Last evaluated: 2022-12-22. Review status: criteria provided, single submitter. Criteria: Invitae Variant Classification Sherloc (09022015). Collection method: clinical testing. Allele origin: germline.
Comment: This sequence change replaces isoleucine, which is neutral and non-polar, with threonine, which is neutral and polar, at codon 485 of the NPAT protein (p.Ile485Thr). This variant is present in population databases (rs766201570, gnomAD 0.002%). This variant has not been reported in the literature in individuals affected with NPAT-related conditions. Algorithms developed to predict the effect of missense changes on protein structure and function are either unavailable or do not agree on the potential impact of this missense change (SIFT: "Deleterious"; PolyPhen-2: "Benign"; Align-GVGD: "Class C0"). In summary, the available evidence is currently insufficient to determine the role of this variant in disease. Therefore, it has been classified as a Variant of Uncertain Significance.